The following is an entry in ClinVar:

ClinVar aggregate classification (germline): Pathogenic/Likely pathogenic. Review status: criteria provided, multiple submitters, no conflicts (2 of 4 stars). 2 submissions from 2 submitters: Pathogenic (1); Likely pathogenic (1). Last evaluated 2024-05-30.

Conditions:
Vici syndrome (VICIS). Identifiers: Orphanet 1493, MedGen C1855772, MONDO:0009452, OMIM 242840.

Submissions (2):

Fulgent Genetics
Classification: Likely pathogenic for Vici syndrome. Last evaluated: 2024-05-30. Review status: criteria provided, single submitter. Criteria: ACMG Guidelines, 2015. Collection method: clinical testing. Allele origin: germline.

Labcorp Genetics (formerly Invitae), Labcorp
Classification: Pathogenic for Vici syndrome. Last evaluated: 2024-01-21. Review status: criteria provided, single submitter. Criteria: Invitae Variant Classification Sherloc (09022015). Collection method: clinical testing. Allele origin: germline.
Comment: This sequence change creates a premature translational stop signal (p.Ser817Glnfs*8) in the EPG5 gene. It is expected to result in an absent or disrupted protein product. Loss-of-function variants in EPG5 are known to be pathogenic (PMID: 23222957, 23674064). This variant is present in population databases (rs758184848, gnomAD 0.02%). This variant has not been reported in the literature in individuals affected with EPG5-related conditions. For these reasons, this variant has been classified as Pathogenic.

Literature cited by the submitters: PubMed 23222957 (cited by Labcorp Genetics (formerly Invitae), Labcorp); PubMed 23674064 (cited by Labcorp Genetics (formerly Invitae), Labcorp).

NM_020964.3(EPG5):c.2449del (p.Ser817fs)

Gene: EPG5 (ectopic P-granules 5 autophagy tethering factor; minus strand). Cytogenetic location: 18q21.1.
Variant type: Deletion.
Coding change: c.2449del on transcript NM_020964.3 (MANE Select); coding-DNA position 2449, one base deleted (T; older notation c.2449delT).
Protein change: p.Ser817fs; shifts the reading frame from serine 817.
Molecular consequence: frameshift variant.
Genome position (GRCh38, 1-based): chr18:45,928,973, A deleted on the plus strand (T on the coding strand, the reverse complement: EPG5 is on the minus strand); the first of 5 consecutive A bases (chr18:45,928,973-45,928,977); deleting any one gives the same sequence. VCF-style (leftmost placement, unchanged base first): chr18-45928972-GA-G. GRCh37 (hg19) VCF-style: chr18-43508938-GA-G.
Other names: c.2449del, p.Ser817fs (NM_001410858.1, NM_001410859.1); short protein forms S817fs.
Identifiers: ClinVar variation 2717503 (VCV002717503.4), dbSNP rs758184848, ClinGen allele CA8949423.
Genomic context (GRCh38, chr18:45,928,972, plus strand): 5'-ACGGAAATTATCTCAGGGTGAACAGCTGTGATAGTCCCTAAAAGCTCTCGACCAACCTTT[GA>G]AAAAGTCTCTCTGGTAGACAAGGTGACATAAGATACCTAAATGGGGGGAAGGGGGAAGAA-3'